The following is an entry in ClinVar:

NM_021922.3(FANCE):c.1076A>G (p.Asn359Ser)

Gene: FANCE (FA complementation group E; plus strand). Cytogenetic location: 6p21.31.
Variant type: single nucleotide variant.
Coding change: c.1076A>G on transcript NM_021922.3 (MANE Select); coding-DNA position 1076, A replaced by G.
Protein change: p.Asn359Ser; replaces asparagine 359 with serine.
Molecular consequence: missense variant.
Genome position (GRCh38, 1-based): chr6:35,458,403, A>G. VCF-style: chr6-35458403-A-G. GRCh37 (hg19) VCF-style: chr6-35426180-A-G.
Other names: c.1076A>G, p.Asn359Ser (NM_001410876.1); short protein forms N359S.
Identifiers: ClinVar variation 2160414 (VCV002160414.1), dbSNP rs1174486332, ClinGen allele CA363775361.
Genomic context (GRCh38, chr6:35,458,403, plus strand): 5'-TCGGTCTCCTGCGGCTCTGCACCTGGCTGCTGGCCCTTTCACCTGATCTCAGCCTCAGCA[A>G]TGCTACTGTGCTGACCAGAAGCCTCTTTCTTGGACGGGTAGGTGTATTGGGAGGTACTCA-3'
Protein context (NP_068741.1, residues 349-369): LALSPDLSLS[Asn359Ser]ATVLTRSLFL

ClinVar aggregate classification (germline): Uncertain significance (1 of 4 stars; one submission).

Conditions:
Fanconi anemia complementation group E (FANCE). Also called: FANCE-Related Fanconi Anemia. Identifiers: Orphanet 84, MedGen C3160739, MONDO:0010953, OMIM 600901.

Allele frequency attached by ClinVar (database versions not stated): TOPMed 0.00001.
gnomAD v4.1: 1 of 1,614,132 alleles (0.000062%); no homozygotes.

Submission:

Labcorp Genetics (formerly Invitae), Labcorp
Classification: Uncertain significance for Fanconi anemia complementation group E. Last evaluated: 2022-02-11. Review status: criteria provided, single submitter. Criteria: Invitae Variant Classification Sherloc (09022015). Collection method: clinical testing. Allele origin: germline.
Comment: This sequence change replaces asparagine, which is neutral and polar, with serine, which is neutral and polar, at codon 359 of the FANCE protein (p.Asn359Ser). This variant is not present in population databases (gnomAD no frequency). This variant has not been reported in the literature in individuals affected with FANCE-related conditions. Algorithms developed to predict the effect of missense changes on protein structure and function output the following: SIFT: "Tolerated"; PolyPhen-2: "Benign"; Align-GVGD: "Class C0". The serine amino acid residue is found in multiple mammalian species, which suggests that this missense change does not adversely affect protein function. In summary, the available evidence is currently insufficient to determine the role of this variant in disease. Therefore, it has been classified as a Variant of Uncertain Significance.